The following is an entry in ClinVar:

ClinVar aggregate classification (germline): Likely benign. Review status: criteria provided, multiple submitters, no conflicts (2 of 4 stars). 3 submissions from 3 submitters: Likely benign (3). Last evaluated 2026-05-21.

Conditions:
Hereditary cancer-predisposing syndrome. Also called: Hereditary Cancer Syndrome; Tumor predisposition; Hereditary neoplastic syndrome; Neoplastic Syndromes, Hereditary. Identifiers: Orphanet 140162, MedGen C0027672, MeSH D009386, MONDO:0015356.

Allele frequency attached by ClinVar (database versions not stated): gnomAD exomes below 0.00001.
gnomAD v4.1: 4 of 1,613,478 alleles (0.00025%); highest among the groups gnomAD compares: Non-Finnish European, 0.00034%; no homozygotes.

Submissions (3):

Ambry Genetics
Classification: Likely benign for Hereditary cancer-predisposing syndrome. Last evaluated: 2026-05-21. Review status: criteria provided, single submitter. Criteria: Ambry Variant Classification Scheme 2023. Collection method: clinical testing. Allele origin: germline.

Center for Genomic Medicine, Rigshospitalet, Copenhagen University Hospital
Classification: Likely benign. Last evaluated: 2025-03-04. Review status: criteria provided, single submitter. Criteria: ACMG Guidelines, 2015. Collection method: clinical testing. Allele origin: germline.

GeneDx
Classification: Likely benign. Last evaluated: 2015-12-23. Review status: criteria provided, single submitter. Criteria: GeneDx Variant Classification (06012015). Collection method: clinical testing. Allele origin: germline. Affected: yes.
Comment: This variant is considered likely benign or benign based on one or more of the following criteria: it is a conservative change, it occurs at a poorly conserved position in the protein, it is predicted to be benign by multiple in silico algorithms, and/or has population frequency not consistent with disease.

NM_006231.4(POLE):c.3027G>T (p.Val1009=)

Gene: POLE (DNA polymerase epsilon, catalytic subunit; minus strand). Cytogenetic location: 12q24.33.
Variant type: single nucleotide variant.
Coding change: c.3027G>T on transcript NM_006231.4 (MANE Select); coding-DNA position 3027, G replaced by T.
Protein change: p.Val1009=; no amino-acid change (valine 1009 retained).
Molecular consequence: synonymous variant.
Genome position (GRCh38, 1-based): chr12:132,661,002, C>A on the plus strand (G>T on the coding strand, the complement: POLE is on the minus strand). VCF-style: chr12-132661002-C-A. GRCh37 (hg19) VCF-style: chr12-133237588-C-A.
Identifiers: ClinVar variation 382447 (VCV000382447.3), dbSNP rs1057521358, ClinGen allele CA16606433.